The following is an entry in ClinVar:

ClinVar aggregate classification (germline): Conflicting classifications of pathogenicity. Review status: criteria provided, conflicting classifications (1 of 4 stars). 6 submissions from 6 submitters: Uncertain significance (4); Likely benign (2). Last evaluated 2026-08-22.

Conditions:
GSDME-related disorder. Also called: GSDME-related condition.
Inborn genetic diseases. Identifiers: MedGen C0950123, MeSH D030342.
Autosomal dominant nonsyndromic hearing loss 5. Identifiers: Orphanet 90635, MedGen C1832932, MONDO:0010973, OMIM 600994.

Allele frequency attached by ClinVar (database versions not stated): gnomAD below 0.00001 and 0.00003; TOPMed 0.00001; gnomAD exomes 0.00005 and 0.00009; ExAC 0.00007; 1000 Genomes Project 30x 0.00016.
gnomAD v4.1: 79 of 1,612,174 alleles (0.0049%); highest among the groups gnomAD compares: South Asian, 0.079%; 1 homozygote.

Submissions (6):

PreventionGenetics, part of Exact Sciences
Classification: Likely benign for GSDME-related condition. Last evaluated: 2026-08-22. Review status: criteria provided, single submitter. Criteria: ACMG Guidelines, 2015. Collection method: clinical testing. Allele origin: germline.
Comment: This variant is classified as likely benign based on ACMG/AMP sequence variant interpretation guidelines (Richards et al. 2015 PMID: 25741868, with internal and published modifications).

GeneDx
Classification: Uncertain significance. Last evaluated: 2025-08-11. Review status: criteria provided, single submitter. Criteria: GeneDx Variant Classification Process June 2021. Collection method: clinical testing. Allele origin: germline. Affected: yes.
Comment: In silico analysis supports that this missense variant has a deleterious effect on protein structure/function; Has not been previously published as pathogenic or benign to our knowledge

Ambry Genetics
Classification: Uncertain significance for Inborn genetic diseases. Last evaluated: 2024-12-03. Review status: criteria provided, single submitter. Criteria: Ambry Variant Classification Scheme 2023. Collection method: clinical testing. Allele origin: germline.

Labcorp Genetics (formerly Invitae), Labcorp
Classification: Likely benign. Last evaluated: 2024-05-04. Review status: criteria provided, single submitter. Criteria: Invitae Variant Classification Sherloc (09022015). Collection method: clinical testing. Allele origin: germline.

Laboratory for Molecular Medicine, Mass General Brigham Personalized Medicine
Classification: Uncertain significance. Last evaluated: 2013-08-15. Review status: criteria provided, single submitter. Criteria: LMM Criteria. Collection method: clinical testing. Allele origin: germline. Observed: 1 variant allele.
Comment: Variant classified as Uncertain Significance - Favor Benign. The Cys331Arg varia nt in DFNA5 has not been previously reported in individuals with hearing loss an d frequency data from large population studies is insufficient. This variant is located in the first base of an exon though computational splicing tools do not predict altered splicing. Additional computational analyses (biochemical amino a cid properties, conservation, AlignGVGD, PolyPhen2, and SIFT) do not provide str ong support for or against an impact of the amino acid change to the protein. Ad ditional data is needed to determine the clinical significance of this variant; however, the identification of this variant in a family with recessive hearing l oss due to GJB2 suggests that it is more likely benign given that pathogenic DFN A5 variants are dominant and to date only found to affect exon 8 splicing.

Neuberg Centre For Genomic Medicine, NCGM
Classification: Uncertain significance for Autosomal dominant nonsyndromic hearing loss 5. Review status: criteria provided, single submitter. Criteria: ACMG Guidelines, 2015. Collection method: clinical testing. Allele origin: germline. Inheritance: Autosomal dominant inheritance. Affected: yes.
Comment: The missense, splice region variant c.991T>Cp.Cys331Arg in GSDME gene has not been reported previously as a pathogenic variant nor as a benign variant, to our knowledge. The variant has 0.01% allele freuency in gnomAD Exomes and is novel not in any individuals in 1000 Genomes. This variant has been reported to the ClinVar database as Uncertain Significance. The variant is predicted to be damaging by SIFT. The amino acid Cysteine at position 331 is changed to a Arginine changing protein sequence and it might alter its composition and physico-chemical properties. The amino acid change p.Cys331Arg in GSDME is predicted as conserved by GERP++ and PhyloP across 100 vertebrates. For these reasons, this variant has been classified as Uncertain Significance.

NM_001127453.2(GSDME):c.991T>C (p.Cys331Arg)

Gene: GSDME (gasdermin E; minus strand). Cytogenetic location: 7p15.3.
Variant type: single nucleotide variant.
Coding change: c.991T>C on transcript NM_001127453.2 (MANE Select); coding-DNA position 991, T replaced by C.
Protein change: p.Cys331Arg; replaces cysteine 331 with arginine.
Molecular consequence: missense variant.
Genome position (GRCh38, 1-based): chr7:24,706,376, A>G on the plus strand (T>C on the coding strand, the complement: GSDME is on the minus strand). VCF-style: chr7-24706376-A-G. GRCh37 (hg19) VCF-style: chr7-24745995-A-G.
Other names: c.499T>C, p.Cys167Arg (NM_001127454.2); c.991T>C, p.Cys331Arg (NM_004403.3); short protein forms C331R, C167R.
Identifiers: ClinVar variation 179118 (VCV000179118.10), dbSNP rs373787249, ClinGen allele CA183768.